The following is an entry in ClinVar:

NM_001194998.2(CEP152):c.1321+1G>T

Gene: CEP152 (centrosomal protein 152; minus strand). Cytogenetic location: 15q21.1.
Variant type: single nucleotide variant.
Coding change: c.1321+1G>T on transcript NM_001194998.2 (MANE Select); the canonical splice donor site of the intron after coding-DNA position 1321, G replaced by T.
Molecular consequence: splice donor variant.
Genome position (GRCh38, 1-based): chr15:48,783,972, C>A on the plus strand (G>T on the coding strand, the complement: CEP152 is on the minus strand). VCF-style: chr15-48783972-C-A. GRCh37 (hg19) VCF-style: chr15-49076169-C-A.
Other names: c.1321+1G>T (NM_014985.4).
Identifiers: ClinVar variation 4767923 (VCV004767923.1).

ClinVar aggregate classification (germline): Likely pathogenic (1 of 4 stars; one submission).

Submission:

Labcorp Genetics (formerly Invitae), Labcorp
Classification: Likely pathogenic. Last evaluated: 2026-01-26. Review status: criteria provided, single submitter. Criteria: Invitae Variant Classification Sherloc (09022015). Collection method: clinical testing. Allele origin: germline.
Comment: This sequence change affects a donor splice site in intron 10 of the CEP152 gene. It is expected to disrupt RNA splicing. Variants that disrupt the donor or acceptor splice site typically lead to a loss of protein function (PMID: 16199547), and loss-of-function variants in CEP152 are known to be pathogenic (PMID: 21131973). This variant is present in population databases (rs768224127, gnomAD 0.007%). This variant has not been reported in the literature in individuals affected with CEP152-related conditions. Algorithms developed to predict the effect of sequence changes on RNA splicing suggest that this variant may disrupt the consensus splice site. In summary, the currently available evidence indicates that the variant is pathogenic, but additional data are needed to prove that conclusively. Therefore, this variant has been classified as Likely Pathogenic.

Literature cited by the submitters: PubMed 16199547; PubMed 21131973.